The following is an entry in ClinVar:

NM_031483.7(ITCH):c.808A>G (p.Ile270Val)

Gene: ITCH (itchy E3 ubiquitin protein ligase; plus strand). Cytogenetic location: 20q11.22.
Variant type: single nucleotide variant.
Coding change: c.808A>G on transcript NM_031483.7 (MANE Select); coding-DNA position 808, A replaced by G.
Protein change: p.Ile270Val; replaces isoleucine 270 with valine.
Molecular consequence: missense variant.
Genome position (GRCh38, 1-based): chr20:34,440,283, A>G. VCF-style: chr20-34440283-A-G. GRCh37 (hg19) VCF-style: chr20-33028088-A-G.
Other names: c.931A>G, p.Ile311Val (NM_001257137.3, NM_001324197.2); c.478A>G, p.Ile160Val (NM_001257138.3); c.808A>G, p.Ile270Val (NM_001324198.2); c.808A>G (NM_031483.4); short protein forms I160V, I270V, I311V.
Identifiers: ClinVar variation 1368412 (VCV001368412.4), dbSNP rs765925331, ClinGen allele CA9821438.
Genomic context (GRCh38, chr20:34,440,283, plus strand): 5'-ACAAATACAAATACAAATACATCTGAAGGAGCAACATCTGGATTAATAATTCCTCTTACT[A>G]TATCTGGAGGCTCAGGCCCTAGGCCATTAAATCCTGTAACTCAAGCTCCCTTGCCACCTG-3'
Protein context (NP_113671.3, residues 260-280): ATSGLIIPLT[Ile270Val]SGGSGPRPLN

ClinVar aggregate classification (germline): Uncertain significance. Review status: criteria provided, multiple submitters, no conflicts (2 of 4 stars). 2 submissions from 2 submitters: Uncertain significance (2). Last evaluated 2024-03-07.

Conditions:
Syndromic multisystem autoimmune disease due to ITCH deficiency. Also called: AUTOIMMUNE DISEASE, MULTISYSTEM, WITH FACIAL DYSMORPHISM. Identifiers: Orphanet 228426, MedGen C3150649, MONDO:0013245, OMIM 613385.
Inborn genetic diseases. Identifiers: MedGen C0950123, MeSH D030342.

Allele frequency attached by ClinVar (database versions not stated): gnomAD 0.00001; gnomAD exomes 0.00001; ExAC 0.00002.

Submissions (2):

Ambry Genetics
Classification: Uncertain significance for Inborn genetic diseases. Last evaluated: 2024-03-07. Review status: criteria provided, single submitter. Criteria: Ambry Variant Classification Scheme 2023. Collection method: clinical testing. Allele origin: germline.

Labcorp Genetics (formerly Invitae), Labcorp
Classification: Uncertain significance for Syndromic multisystem autoimmune disease due to ITCH deficiency. Last evaluated: 2021-11-22. Review status: criteria provided, single submitter. Criteria: Invitae Variant Classification Sherloc (09022015). Collection method: clinical testing. Allele origin: germline.
Comment: This sequence change replaces isoleucine, which is neutral and non-polar, with valine, which is neutral and non-polar, at codon 270 of the ITCH protein (p.Ile270Val). This variant is present in population databases (rs765925331, gnomAD 0.006%). This variant has not been reported in the literature in individuals affected with ITCH-related conditions. Algorithms developed to predict the effect of missense changes on protein structure and function are either unavailable or do not agree on the potential impact of this missense change (SIFT: "Not Available"; PolyPhen-2: "Benign"; Align-GVGD: "Not Available"). In summary, the available evidence is currently insufficient to determine the role of this variant in disease. Therefore, it has been classified as a Variant of Uncertain Significance.